The following is an entry in ClinVar:

NM_130468.4(CHST14):c.467A>G (p.Lys156Arg)

Gene: CHST14 (carbohydrate sulfotransferase 14; plus strand). Cytogenetic location: 15q15.1.
Variant type: single nucleotide variant.
Coding change: c.467A>G on transcript NM_130468.4 (MANE Select); coding-DNA position 467, A replaced by G.
Protein change: p.Lys156Arg; replaces lysine 156 with arginine.
Molecular consequence: missense variant.
Genome position (GRCh38, 1-based): chr15:40,471,680, A>G. VCF-style: chr15-40471680-A-G. GRCh37 (hg19) VCF-style: chr15-40763879-A-G.
Other names: c.467A>G (NM_130468.3); short protein forms K156R.
Identifiers: ClinVar variation 1498860 (VCV001498860.6), dbSNP rs1017593366, ClinGen allele CA268822453.
Genomic context (GRCh38, chr15:40,471,680, plus strand): 5'-CCCTGCTGCGCCACATCCTCGTAAGTGACCGTTACCGCTTCCTCTACTGCTACGTCCCCA[A>G]GGTGGCCTGCTCTAACTGGAAGCGGGTGATGAAGGTGCTGGCAGGCGTCCTGGACAGCGT-3'
Protein context (NP_569735.1, residues 146-166): RYRFLYCYVP[Lys156Arg]VACSNWKRVM

ClinVar aggregate classification (germline): Uncertain significance. Review status: criteria provided, multiple submitters, no conflicts (2 of 4 stars). 2 submissions from 2 submitters: Uncertain significance (2). Last evaluated 2023-12-02.

Conditions:
Cardiovascular phenotype. Identifiers: MedGen CN230736.
Ehlers-Danlos syndrome, musculocontractural type (EDSMC). Also called: DUNDAR SYNDROME; Adducted thumb, clubfoot, progressive joint and skin laxity syndrome; ADDUCTED THUMB-CLUBFOOT SYNDROME; ARTHROGRYPOSIS, DISTAL, WITH PECULIAR FACIES AND HYDRONEPHROSIS. Identifiers: Orphanet 2953, MedGen C1866294, MONDO:0011142.

Allele frequency attached by ClinVar (database versions not stated): gnomAD exomes below 0.00001; gnomAD 0.00001; TOPMed 0.00002.

Submissions (2):

Ambry Genetics
Classification: Uncertain significance for Cardiovascular phenotype. Last evaluated: 2023-12-02. Review status: criteria provided, single submitter. Criteria: Ambry Variant Classification Scheme 2023. Collection method: clinical testing. Allele origin: germline.
Comment: The p.K156R variant (also known as c.467A>G), located in coding exon 1 of the CHST14 gene, results from an A to G substitution at nucleotide position 467. The lysine at codon 156 is replaced by arginine, an amino acid with highly similar properties. This amino acid position is conserved. In addition, this alteration is predicted to be deleterious by in silico analysis. Since supporting evidence is limited at this time, the clinical significance of this alteration remains unclear.

Labcorp Genetics (formerly Invitae), Labcorp
Classification: Uncertain significance for Ehlers-Danlos syndrome, musculocontractural type. Last evaluated: 2021-08-27. Review status: criteria provided, single submitter. Criteria: Invitae Variant Classification Sherloc (09022015). Collection method: clinical testing. Allele origin: germline.
Comment: This sequence change replaces lysine with arginine at codon 156 of the CHST14 protein (p.Lys156Arg). The lysine residue is highly conserved and there is a small physicochemical difference between lysine and arginine. This variant is not present in population databases (ExAC no frequency). This variant has not been reported in the literature in individuals affected with CHST14-related conditions. Algorithms developed to predict the effect of missense changes on protein structure and function (SIFT, PolyPhen-2, Align-GVGD) all suggest that this variant is likely to be disruptive. In summary, the available evidence is currently insufficient to determine the role of this variant in disease. Therefore, it has been classified as a Variant of Uncertain Significance.